The following is an entry in ClinVar:

NM_001005373.4(LRSAM1):c.1019A>G (p.Gln340Arg)

Gene: LRSAM1 (leucine rich repeat and sterile alpha motif containing 1; plus strand). Cytogenetic location: 9q33.3.
Variant type: single nucleotide variant.
Coding change: c.1019A>G on transcript NM_001005373.4 (MANE Select); coding-DNA position 1019, A replaced by G.
Protein change: p.Gln340Arg; replaces glutamine 340 with arginine.
Molecular consequence: missense variant. On other transcripts: non-coding transcript variant (2).
Genome position (GRCh38, 1-based): chr9:127,479,954, A>G. VCF-style: chr9-127479954-A-G. GRCh37 (hg19) VCF-style: chr9-130242233-A-G.
Other names: c.1019A>G, p.Gln340Arg (NM_001005374.4, NM_001190723.3, NM_001384142.1 and 2 more transcripts); c.230A>G, p.Gln77Arg (NM_001384144.1); c.1019A>G (NM_138361.4); short protein forms Q340R, Q77R.
Identifiers: ClinVar variation 2728457 (VCV002728457.4), dbSNP rs1023172311, ClinGen allele CA199848722.

ClinVar aggregate classification (germline): Uncertain significance. Review status: criteria provided, multiple submitters, no conflicts (2 of 4 stars). 2 submissions from 2 submitters: Uncertain significance (2). Last evaluated 2026-06-17.

Conditions:
Charcot-Marie-Tooth disease axonal type 2P. Also called: CHARCOT-MARIE-TOOTH NEUROPATHY, TYPE 2P; CHARCOT-MARIE-TOOTH DISEASE, AXONAL, TYPE 2G; CMT 2G; Charcot-Marie-Tooth Neuropathy Type 2G. Identifiers: Orphanet 300319, Orphanet 99941, MedGen C3280797, MONDO:0013753, OMIM 614436.
Inborn genetic diseases. Identifiers: MedGen C0950123, MeSH D030342.

Allele frequency attached by ClinVar (database versions not stated): gnomAD exomes below 0.00001; TOPMed 0.00001; gnomAD 0.00001.
gnomAD v4.1: 2 of 1,614,100 alleles (0.00012%); highest among the groups gnomAD compares: East Asian, 0.0022%; no homozygotes.

Submissions (2):

Ambry Genetics
Classification: Uncertain significance for Inborn genetic diseases. Last evaluated: 2026-06-17. Review status: criteria provided, single submitter. Criteria: Ambry Variant Classification Scheme 2023. Collection method: clinical testing. Allele origin: germline.

Labcorp Genetics (formerly Invitae), Labcorp
Classification: Uncertain significance for Charcot-Marie-Tooth disease axonal type 2P. Last evaluated: 2024-02-13. Review status: criteria provided, single submitter. Criteria: Invitae Variant Classification Sherloc (09022015). Collection method: clinical testing. Allele origin: germline.
Comment: This sequence change replaces glutamine, which is neutral and polar, with arginine, which is basic and polar, at codon 340 of the LRSAM1 protein (p.Gln340Arg). This variant is not present in population databases (gnomAD no frequency). This variant has not been reported in the literature in individuals affected with LRSAM1-related conditions. Advanced modeling of protein sequence and biophysical properties (such as structural, functional, and spatial information, amino acid conservation, physicochemical variation, residue mobility, and thermodynamic stability) performed at Invitae indicates that this missense variant is not expected to disrupt LRSAM1 protein function with a negative predictive value of 80%. In summary, the available evidence is currently insufficient to determine the role of this variant in disease. Therefore, it has been classified as a Variant of Uncertain Significance.